The following is an entry in ClinVar:

NM_006118.4(HAX1):c.638T>C (p.Val213Ala)

Gene: HAX1 (HCLS1 associated protein X-1; plus strand). Cytogenetic location: 1q21.3.
Variant type: single nucleotide variant.
Coding change: c.638T>C on transcript NM_006118.4 (MANE Select); coding-DNA position 638, T replaced by C.
Protein change: p.Val213Ala; replaces valine 213 with alanine.
Molecular consequence: missense variant.
Genome position (GRCh38, 1-based): chr1:154,275,235, T>C. VCF-style: chr1-154275235-T-C. GRCh37 (hg19) VCF-style: chr1-154247711-T-C.
Other names: c.494T>C, p.Val165Ala (NM_001018837.2); short protein forms V213A, V165A.
Identifiers: ClinVar variation 4269027 (VCV004269027.1).

ClinVar aggregate classification (germline): Uncertain significance (1 of 4 stars; one submission).

Conditions:
Inborn genetic diseases. Identifiers: MedGen C0950123, MeSH D030342.

Submission:

Ambry Genetics
Classification: Uncertain significance for Inborn genetic diseases. Last evaluated: 2025-07-07. Review status: criteria provided, single submitter. Criteria: Ambry Variant Classification Scheme 2023. Collection method: clinical testing. Allele origin: germline.
Comment: The p.V213A variant (also known as c.638T>C), located in coding exon 5 of the HAX1 gene, results from a T to C substitution at nucleotide position 638. The valine at codon 213 is replaced by alanine, an amino acid with similar properties. This amino acid position is conserved. In addition, the in silico prediction for this alteration is inconclusive. Based on the available evidence, the clinical significance of this variant remains unclear.